The following is an entry in ClinVar:

NM_007294.4(BRCA1):c.5153G>T (p.Trp1718Leu)

Gene: BRCA1 (BRCA1 DNA repair associated; minus strand). Cytogenetic location: 17q21.31.
Variant type: single nucleotide variant.
Coding change: c.5153G>T on transcript NM_007294.4 (MANE Select); coding-DNA position 5153, G replaced by T.
Protein change: p.Trp1718Leu; replaces tryptophan 1718 with leucine.
Molecular consequence: missense variant. On other transcripts: non-coding transcript variant (1).
Genome position (GRCh38, 1-based): chr17:43,063,373, C>A on the plus strand (G>T on the coding strand, the complement: BRCA1 is on the minus strand). VCF-style: chr17-43063373-C-A. GRCh37 (hg19) VCF-style: chr17-41215390-C-A.
Other names: c.4940G>T, p.Trp1647Leu (NM_001407571.1, NM_001407902.1, NM_001407904.1 and 12 more transcripts); c.5219G>T, p.Trp1740Leu (NM_001407581.1, NM_001407582.1); c.5216G>T, p.Trp1739Leu (NM_001407583.1, NM_001407585.1, NM_001407587.1 and 1 more transcripts); c.5213G>T, p.Trp1738Leu (NM_001407590.1, NM_001407591.1); c.5153G>T, p.Trp1718Leu (NM_001407593.1, NM_001407594.1, NM_001407596.1 and 7 more transcripts); c.5150G>T, p.Trp1717Leu (NM_001407610.1, NM_001407611.1, NM_001407612.1 and 17 more transcripts); c.5147G>T, p.Trp1716Leu (NM_001407630.1, NM_001407631.1, NM_001407632.1 and 14 more transcripts); c.5075G>T, p.Gly1692Val (NM_001407652.1); and 73 more; short protein forms W1718L, W1671L, W1739L, W614L, W1590L, W1605L, W1607L, W1647L.
Identifiers: ClinVar variation 632609 (VCV000632609.6), dbSNP rs41293461, ClinGen allele CA10591235.

ClinVar aggregate classification (germline): Uncertain significance (0 of 4 stars; one submission).

Conditions:
Hereditary breast ovarian cancer syndrome. Also called: Hereditary breast and ovarian cancer syndrome (HBOC); Hereditary breast and ovarian cancer; BRCA1- and BRCA2-Associated Hereditary Breast and Ovarian Cancer; Breast and ovarian cancer; Hereditary breast and ovarian cancer syndrome; Hereditary breast and/or ovarian cancer syndrome. Identifiers: Orphanet 145, MedGen C0677776, MeSH D061325, MONDO:0003582. Disease mechanism: loss of function.

Submissions (2):

Hereditary Cancer Genetics group, Vall d'Hebron Institute of Oncology
Classification: Uncertain significance for Hereditary breast and ovarian cancer syndrome. Last evaluated: 2019-03-01. Review status: no assertion criteria provided. Collection method: research. Allele origin: germline. Affected: yes.

Brotman Baty Institute, University of Washington
No classification provided (evidence only). Condition: Breast-ovarian cancer, familial 1. Review status: no classification provided. Collection method: in vitro. Allele origin: not applicable. Functional consequence: functionally_abnormal. Not counted in ClinVar's aggregate classification.
ClinVar note: "not provided" was previously submitted as the classification for the variant. However, the classification appeared to be based only on an observation of functional data so it was converted to no classification on 2025-07-30.

Literature cited by the submitters: PubMed 30472649 (cited by Hereditary Cancer Genetics group, Vall d'Hebron Institute of Oncology).